The following is an entry in ClinVar:

ClinVar aggregate classification (germline): Uncertain significance (0 of 4 stars; one submission).

Conditions:
CREBBP-related disorder. Also called: CREBBP-related condition; CREBBP-related disorders.

gnomAD v4.1: 2 of 1,614,186 alleles (0.00012%); highest among the groups gnomAD compares: Non-Finnish European, 0.00017%; no homozygotes.

Submission:

PreventionGenetics, part of Exact Sciences
Classification: Uncertain significance for CREBBP-related condition. Last evaluated: 2024-01-04. Review status: no assertion criteria provided. Collection method: clinical testing. Allele origin: germline.
Comment: The CREBBP c.200A>G variant is predicted to result in the amino acid substitution p.His67Arg. To our knowledge, this variant has not been reported in the literature or in a large population database, indicating this variant is rare. At this time, the clinical significance of this variant is uncertain due to the absence of conclusive functional and genetic evidence.

NM_004380.3(CREBBP):c.200A>G (p.His67Arg)

Gene: CREBBP (CREB binding lysine acetyltransferase; minus strand). Cytogenetic location: 16p13.3.
Variant type: single nucleotide variant.
Coding change: c.200A>G on transcript NM_004380.3 (MANE Select); coding-DNA position 200, A replaced by G.
Protein change: p.His67Arg; replaces histidine 67 with arginine.
Molecular consequence: missense variant.
Genome position (GRCh38, 1-based): chr16:3,850,895, T>C on the plus strand (A>G on the coding strand, the complement: CREBBP is on the minus strand). VCF-style: chr16-3850895-T-C. GRCh37 (hg19) VCF-style: chr16-3900896-T-C.
Other names: c.200A>G, p.His67Arg (NM_001079846.1); short protein forms H67R.
Identifiers: ClinVar variation 3348557 (VCV003348557.1).